The following is an entry in ClinVar:

ClinVar aggregate classification (germline): Uncertain significance. Review status: criteria provided, multiple submitters, no conflicts (2 of 4 stars). 2 submissions from 2 submitters: Uncertain significance (2). Last evaluated 2023-05-22.

Conditions:
Hereditary cancer-predisposing syndrome. Also called: Hereditary Cancer Syndrome; Hereditary neoplastic syndrome; Neoplastic Syndromes, Hereditary; Tumor predisposition. Identifiers: Orphanet 140162, MedGen C0027672, MeSH D009386, MONDO:0015356.

Submissions (2):

Ambry Genetics
Classification: Uncertain significance for Hereditary cancer-predisposing syndrome. Last evaluated: 2023-05-22. Review status: criteria provided, single submitter. Criteria: Ambry Variant Classification Scheme 2023. Collection method: clinical testing. Allele origin: germline.
Comment: The p.E637K variant (also known as c.1909G>A), located in coding exon 13 of the CTNNA1 gene, results from a G to A substitution at nucleotide position 1909. The glutamic acid at codon 637 is replaced by lysine, an amino acid with similar properties. In one study, this alteration was identified in 1/151,425 individuals who underwent multi-gene germline genetic testing and classified as a variant of uncertain significance by the authors (Clark DF et al. Genet Med, 2020 May;22:840-846). This amino acid position is highly conserved in available vertebrate species. In addition, the in silico prediction for this alteration is inconclusive. Since supporting evidence is limited at this time, the clinical significance of this alteration remains unclear.

Labcorp Genetics (formerly Invitae), Labcorp
Classification: Uncertain significance. Last evaluated: 2021-06-26. Review status: criteria provided, single submitter. Criteria: Invitae Variant Classification Sherloc (09022015). Collection method: clinical testing. Allele origin: germline.
Comment: Algorithms developed to predict the effect of missense changes on protein structure and function are either unavailable or do not agree on the potential impact of this missense change (SIFT: "Deleterious"; PolyPhen-2: "Possibly Damaging"; Align-GVGD: "Class C0"). This variant has not been reported in the literature in individuals with CTNNA1-related conditions. ClinVar contains an entry for this variant (Variation ID: 409005). In summary, the available evidence is currently insufficient to determine the role of this variant in disease. Therefore, it has been classified as a Variant of Uncertain Significance. This sequence change replaces glutamic acid with lysine at codon 637 of the CTNNA1 protein (p.Glu637Lys). The glutamic acid residue is highly conserved and there is a small physicochemical difference between glutamic acid and lysine. This variant is not present in population databases (ExAC no frequency).

Literature cited by the submitters: PubMed 32051609 (cited by Ambry Genetics).

NM_001903.5(CTNNA1):c.1909G>A (p.Glu637Lys)

Gene: CTNNA1 (catenin alpha 1; plus strand). Cytogenetic location: 5q31.2.
Variant type: single nucleotide variant.
Coding change: c.1909G>A on transcript NM_001903.5 (MANE Select); coding-DNA position 1909, G replaced by A.
Protein change: p.Glu637Lys; replaces glutamic acid 637 with lysine.
Molecular consequence: missense variant.
Genome position (GRCh38, 1-based): chr5:138,929,255, G>A. VCF-style: chr5-138929255-G-A. GRCh37 (hg19) VCF-style: chr5-138264944-G-A.
Other names: c.1909G>A, p.Glu637Lys (NM_001290307.3, NM_001323982.2, NM_001323983.1 and 2 more transcripts); c.1600G>A, p.Glu534Lys (NM_001290309.3); c.1540G>A, p.Glu514Lys (NM_001290310.3); c.799G>A, p.Glu267Lys (NM_001290312.1, NM_001323987.1, NM_001323988.1 and 17 more transcripts); c.1816G>A, p.Glu606Lys (NM_001323986.2); c.460G>A, p.Glu154Lys (NM_001324006.1, NM_001324007.1, NM_001324008.1 and 2 more transcripts); c.706G>A, p.Glu236Lys (NM_001324011.1); c.556G>A, p.Glu186Lys (NM_001324012.1, NM_001324013.1); and 1 more; short protein forms E637K, E186K, E236K, E267K, E154K, E534K, E514K, E606K.
Identifiers: ClinVar variation 409005 (VCV000409005.12), dbSNP rs1060502221, ClinGen allele CA16611824.
Genomic context (GRCh38, chr5:138,929,255, plus strand): 5'-GGCTGGTGGCCCAGAGATGTGTCTGACCTGTGATCTTTGTCTGGGTGGCAGACCCCTGAG[G>A]AGTTGGATGACTCTGACTTTGAGACAGAAGATTTTGATGTCAGAAGCAGGACGAGCGTCC-3'
Protein context (NP_001894.2, residues 627-647): KAVLMIRTPE[Glu637Lys]LDDSDFETED